The following is an entry in ClinVar:

NM_145045.5(ODAD3):c.400G>A (p.Glu134Lys)

Gene: ODAD3 (outer dynein arm docking complex subunit 3; minus strand). Cytogenetic location: 19p13.2.
Variant type: single nucleotide variant.
Coding change: c.400G>A on transcript NM_145045.5 (MANE Select); coding-DNA position 400, G replaced by A.
Protein change: p.Glu134Lys; replaces glutamic acid 134 with lysine.
Molecular consequence: missense variant. On other transcripts: intron variant (1).
Genome position (GRCh38, 1-based): chr19:11,430,743, C>T on the plus strand (G>A on the coding strand, the complement: ODAD3 is on the minus strand). VCF-style: chr19-11430743-C-T. GRCh37 (hg19) VCF-style: chr19-11541563-C-T.
Other names: c.238G>A, p.Glu80Lys (NM_001302453.1); c.366+156G>A (NM_001302454.2); c.400G>A (NM_145045.4); short protein forms E134K, E80K.
Identifiers: ClinVar variation 1682787 (VCV001682787.6), dbSNP rs757510377, ClinGen allele CA9212417.

ClinVar aggregate classification (germline): Uncertain significance. Review status: criteria provided, multiple submitters, no conflicts (2 of 4 stars). 2 submissions from 2 submitters: Uncertain significance (2). Last evaluated 2025-09-22.

Conditions:
Inborn genetic diseases. Identifiers: MedGen C0950123, MeSH D030342.
Primary ciliary dyskinesia 30. Also called: CILIARY DYSKINESIA, PRIMARY, 30, WITH OR WITHOUT SITUS INVERSUS. Identifiers: Orphanet 244, MedGen C4015016, MONDO:0014465, OMIM 616037.

Allele frequency attached by ClinVar (database versions not stated): gnomAD exomes 0.00001; TOPMed 0.00002; gnomAD 0.00003; ExAC 0.00002.
gnomAD v4.1: 25 of 1,613,924 alleles (0.0015%); highest among the groups gnomAD compares: Middle Eastern, 0.016%; no homozygotes.

Submissions (2):

Ambry Genetics
Classification: Uncertain significance for Inborn genetic diseases. Last evaluated: 2025-09-22. Review status: criteria provided, single submitter. Criteria: Ambry Variant Classification Scheme 2023. Collection method: clinical testing. Allele origin: germline.

Labcorp Genetics (formerly Invitae), Labcorp
Classification: Uncertain significance for Primary ciliary dyskinesia 30. Last evaluated: 2022-07-19. Review status: criteria provided, single submitter. Criteria: Invitae Variant Classification Sherloc (09022015). Collection method: clinical testing. Allele origin: germline.
Comment: This sequence change replaces glutamic acid, which is acidic and polar, with lysine, which is basic and polar, at codon 134 of the CCDC151 protein (p.Glu134Lys). This variant is present in population databases (rs757510377, gnomAD 0.005%). This variant has not been reported in the literature in individuals affected with CCDC151-related conditions. ClinVar contains an entry for this variant (Variation ID: 1682787). Algorithms developed to predict the effect of missense changes on protein structure and function are either unavailable or do not agree on the potential impact of this missense change (SIFT: "Tolerated"; PolyPhen-2: "Possibly Damaging"; Align-GVGD: "Class C0"). In summary, the available evidence is currently insufficient to determine the role of this variant in disease. Therefore, it has been classified as a Variant of Uncertain Significance.